The following is an entry in ClinVar:

ClinVar aggregate classification (germline): Uncertain significance. Review status: criteria provided, multiple submitters, no conflicts (2 of 4 stars). 2 submissions from 2 submitters: Uncertain significance (2). Last evaluated 2025-06-12.

Conditions:
Hereditary cancer-predisposing syndrome. Also called: Tumor predisposition; Hereditary neoplastic syndrome; Neoplastic Syndromes, Hereditary; Hereditary Cancer Syndrome. Identifiers: Orphanet 140162, MedGen C0027672, MeSH D009386, MONDO:0015356.
Familial adenomatous polyposis 1 (FAP1). Also called: FAMILIAL ADENOMATOUS POLYPOSIS 1, ATTENUATED; POLYPOSIS, ADENOMATOUS INTESTINAL. Identifiers: MedGen C2713442, MONDO:0021056, OMIM 175100. Disease mechanism: loss of function.

Submissions (2):

Color Diagnostics, LLC DBA Color Health
Classification: Uncertain significance for Hereditary cancer-predisposing syndrome. Last evaluated: 2025-06-12. Review status: criteria provided, single submitter. Criteria: ACMG Guidelines, 2015. Collection method: clinical testing. Allele origin: germline.
Comment: This variant causes an in-frame duplication of one amino acid at c don 101 of the APC protein. To our knowledge, functional studies have not been reported for this variant. This variant has not been reported in individuals affected with APC-related disorders in the literature. This variant has not been identified in the general population by the Genome Aggregation Database (gnomAD). The available evidence is insufficient to determine the role of this variant in disease conclusively. Therefore, this variant is classified as a Variant of Uncertain Significance.

Labcorp Genetics (formerly Invitae), Labcorp
Classification: Uncertain significance for Familial adenomatous polyposis 1. Last evaluated: 2024-05-14. Review status: criteria provided, single submitter. Criteria: Invitae Variant Classification Sherloc (09022015). Collection method: clinical testing. Allele origin: germline.
Comment: This variant, c.301_303dup, results in the insertion of 1 amino acid(s) of the APC protein (p.Gly101dup), but otherwise preserves the integrity of the reading frame. This variant is not present in population databases (gnomAD no frequency). This variant has not been reported in the literature in individuals affected with APC-related conditions. ClinVar contains an entry for this variant (Variation ID: 1360744). Experimental studies and prediction algorithms are not available or were not evaluated, and the functional significance of this variant is currently unknown. In summary, the available evidence is currently insufficient to determine the role of this variant in disease. Therefore, it has been classified as a Variant of Uncertain Significance.

NM_000038.6(APC):c.301_303dup (p.Gly101dup)

Gene: APC (APC regulator of Wnt signaling pathway; plus strand). Cytogenetic location: 5q22.2.
Variant type: Duplication.
Coding change: c.301_303dup on transcript NM_000038.6 (MANE Select); coding-DNA positions 301 to 303, 3 bases duplicated (GGA; older notation c.301_303dupGGA).
Protein change: p.Gly101dup; duplicates glycine 101.
Molecular consequence: inframe insertion. On other transcripts: 5 prime UTR variant (1).
Genome position (GRCh38, 1-based): chr5:112,767,269-112,767,271, GGA duplicated; duplicating any 3 consecutive bases within chr5:112,767,268-112,767,271 gives the same sequence; the c. name uses the placement nearest the transcript's 3' end. VCF-style (leftmost placement, unchanged base first): chr5-112767267-A-AAGG. GRCh37 (hg19) VCF-style: chr5-112102964-A-AAGG.
Other names: c.301_303dup, p.Gly101dup (NM_001127510.3, NM_001354895.2, NM_001354896.2 and 2 more transcripts); c.331_333dup, p.Gly111dup (NM_001127511.3, NM_001354897.2, NM_001354902.2); c.226_228dup, p.Gly76dup (NM_001354898.2, NM_001354904.2); c.124_126dup, p.Gly42dup (NM_001354900.2, NM_001354901.2, NM_001354905.2); c.-735_-733dup (NM_001354906.2).
Identifiers: ClinVar variation 1360744 (VCV001360744.8), dbSNP rs2149788430, ClinGen allele CA2573138613.